The following is an entry in ClinVar:

NM_006009.4(TUBA1A):c.171G>T (p.Gly57=)

Gene: TUBA1A (tubulin alpha 1a; minus strand). Cytogenetic location: 12q13.12.
Variant type: single nucleotide variant.
Coding change: c.171G>T on transcript NM_006009.4 (MANE Select); coding-DNA position 171, G replaced by T.
Protein change: p.Gly57=; no amino-acid change (glycine 57 retained).
Molecular consequence: synonymous variant.
Genome position (GRCh38, 1-based): chr12:49,186,666, C>A on the plus strand (G>T on the coding strand, the complement: TUBA1A is on the minus strand). VCF-style: chr12-49186666-C-A. GRCh37 (hg19) VCF-style: chr12-49580449-C-A.
Other names: c.171G>T, p.Gly57= (NM_001270399.2); c.66G>T, p.Gly22= (NM_001270400.2).
Identifiers: ClinVar variation 3056540 (VCV003056540.9), dbSNP rs1055956, ClinGen allele CA236623216.
Genomic context (GRCh38, chr12:49,186,666, plus strand): 5'-CTCACCAATGACTGTGGGTTCCAAGTCTACAAACACTGCCCGGGGCACATGCTTGCCAGC[C>A]CCCGTCTCACTGAAGAAGGTGTTGAAGGAATCATCTCCTCCCCCAATGGTCTTGTCACTT-3'
Protein context (NP_006000.2, residues 47-67): DSFNTFFSET[Gly57=]AGKHVPRAVF

ClinVar aggregate classification (germline): Likely benign. Review status: criteria provided, single submitter (1 of 4 stars). 2 submissions from 2 submitters: Likely benign (1). 1 of the submissions does not count toward it. Last evaluated 2025-11-01.

Conditions:
TUBA1A-related disorder. Also called: TUBA1A-related condition.

Submissions (2):

CeGaT Center for Human Genetics Tuebingen
Classification: Likely benign. Last evaluated: 2025-11-01. Review status: criteria provided, single submitter. Criteria: CeGaT Center For Human Genetics Tuebingen Variant Classification Criteria Version 2. Collection method: clinical testing. Allele origin: germline. Affected: yes. Observed: 2 variant alleles.
Comment: TUBA1A: BP4, BP7

PreventionGenetics, part of Exact Sciences
Classification: Likely benign for TUBA1A-related condition. Last evaluated: 2020-11-10. Review status: no assertion criteria provided. Collection method: clinical testing. Allele origin: germline. Not counted in ClinVar's aggregate classification.
Comment: This variant is classified as likely benign based on ACMG/AMP sequence variant interpretation guidelines (Richards et al. 2015 PMID: 25741868, with internal and published modifications).